The following is an entry in ClinVar:

NM_000222.3(KIT):c.473A>C (p.Lys158Thr)

Gene: KIT (KIT proto-oncogene, receptor tyrosine kinase; plus strand). Cytogenetic location: 4q12.
Variant type: single nucleotide variant.
Coding change: c.473A>C on transcript NM_000222.3 (MANE Select); coding-DNA position 473, A replaced by C.
Protein change: p.Lys158Thr; replaces lysine 158 with threonine.
Molecular consequence: missense variant.
Genome position (GRCh38, 1-based): chr4:54,698,419, A>C. VCF-style: chr4-54698419-A-C. GRCh37 (hg19) VCF-style: chr4-55564585-A-C.
Other names: c.473A>C, p.Lys158Thr (NM_001093772.2, NM_001385284.1, NM_001385285.1 and 4 more transcripts); short protein forms K158T.
Identifiers: ClinVar variation 1742755 (VCV001742755.8), dbSNP rs775817289, ClinGen allele CA356897659.
Genomic context (GRCh38, chr4:54,698,419, plus strand): 5'-TCACAGACCCAGAAGTGACCAATTATTCCCTCAAGGGGTGCCAGGGGAAGCCTCTTCCCA[A>C]GGACTTGAGGTTTATTCCTGACCCCAAGGCGGGCATCATGATCAAAAGTGTGAAACGCGC-3'
Protein context (NP_000213.1, residues 148-168): LKGCQGKPLP[Lys158Thr]DLRFIPDPKA

ClinVar aggregate classification (germline): Uncertain significance. Review status: criteria provided, multiple submitters, no conflicts (2 of 4 stars). 2 submissions from 2 submitters: Uncertain significance (2). Last evaluated 2025-09-16.

Conditions:
Hereditary cancer-predisposing syndrome. Also called: Neoplastic Syndromes, Hereditary; Tumor predisposition; Hereditary Cancer Syndrome; Hereditary neoplastic syndrome. Identifiers: Orphanet 140162, MedGen C0027672, MeSH D009386, MONDO:0015356.
Gastrointestinal stromal tumor. Also called: Gastrointestinal stromal tumor, somatic; Gastrointestinal stroma tumor. Identifiers: Orphanet 44890, MedGen C0238198, MeSH D046152, MONDO:0011719, OMIM 606764, HP:0100723.

Allele frequency attached by ClinVar (database versions not stated): TOPMed below 0.00001.
gnomAD v4.1: 6 of 1,614,068 alleles (0.00037%); highest among the groups gnomAD compares: Admixed American, 0.0017%; no homozygotes.

Submissions (2):

Labcorp Genetics (formerly Invitae), Labcorp
Classification: Uncertain significance for Gastrointestinal stromal tumor. Last evaluated: 2025-09-16. Review status: criteria provided, single submitter. Criteria: Invitae Variant Classification Sherloc (09022015). Collection method: clinical testing. Allele origin: germline.
Comment: This sequence change replaces lysine, which is basic and polar, with threonine, which is neutral and polar, at codon 158 of the KIT protein (p.Lys158Thr). This variant is present in population databases (no rsID available, gnomAD 0.0009%). This variant has not been reported in the literature in individuals affected with KIT-related conditions. ClinVar contains an entry for this variant (Variation ID: 1742755). An algorithm developed to predict the effect of missense changes on protein structure and function outputs the following: PolyPhen-2: "Benign". The threonine amino acid residue is found in multiple mammalian species, which suggests that this missense change does not adversely affect protein function. In summary, the available evidence is currently insufficient to determine the role of this variant in disease. Therefore, it has been classified as a Variant of Uncertain Significance.

Ambry Genetics
Classification: Uncertain significance for Hereditary cancer-predisposing syndrome. Last evaluated: 2025-03-06. Review status: criteria provided, single submitter. Criteria: Ambry Variant Classification Scheme 2023. Collection method: clinical testing. Allele origin: germline.
Comment: The p.K158T variant (also known as c.473A>C), located in coding exon 3 of the KIT gene, results from an A to C substitution at nucleotide position 473. The lysine at codon 158 is replaced by threonine, an amino acid with similar properties. This amino acid position is not well conserved in available vertebrate species. In addition, this alteration is predicted to be tolerated by in silico analysis. Since supporting evidence is limited at this time, the clinical significance of this alteration remains unclear.